The following is an entry in ClinVar:

ClinVar aggregate classification (germline): Uncertain significance. Review status: criteria provided, multiple submitters, no conflicts (2 of 4 stars). 2 submissions from 2 submitters: Uncertain significance (2). Last evaluated 2025-08-18.

Conditions:
Inborn genetic diseases. Identifiers: MedGen C0950123, MeSH D030342.

Allele frequency attached by ClinVar (database versions not stated): gnomAD exomes 0.00001 and 0.00002; ExAC 0.00002; gnomAD 0.00007 and 0.00009; ESP Exome Variant Server 0.00008; TOPMed 0.00010.

Submissions (2):

Labcorp Genetics (formerly Invitae), Labcorp
Classification: Uncertain significance. Last evaluated: 2025-08-18. Review status: criteria provided, single submitter. Criteria: Invitae Variant Classification Sherloc (09022015). Collection method: clinical testing. Allele origin: germline.
Comment: This sequence change replaces serine, which is neutral and polar, with asparagine, which is neutral and polar, at codon 1483 of the PCLO protein (p.Ser1483Asn). This variant is present in population databases (rs367943127, gnomAD 0.01%). This variant has not been reported in the literature in individuals affected with PCLO-related conditions. ClinVar contains an entry for this variant (Variation ID: 1395755). Experimental studies and prediction algorithms are not available or were not evaluated, and the functional significance of this variant is currently unknown. In summary, the available evidence is currently insufficient to determine the role of this variant in disease. Therefore, it has been classified as a Variant of Uncertain Significance.

Ambry Genetics
Classification: Uncertain significance for Inborn genetic diseases. Last evaluated: 2022-11-08. Review status: criteria provided, single submitter. Criteria: Ambry Variant Classification Scheme 2023. Collection method: clinical testing. Allele origin: germline.

NM_033026.6(PCLO):c.4448G>A (p.Ser1483Asn)

Gene: PCLO (piccolo presynaptic cytomatrix protein; minus strand). Cytogenetic location: 7q21.11.
Variant type: single nucleotide variant.
Coding change: c.4448G>A on transcript NM_033026.6 (MANE Select); coding-DNA position 4448, G replaced by A.
Protein change: p.Ser1483Asn; replaces serine 1483 with asparagine.
Molecular consequence: missense variant.
Genome position (GRCh38, 1-based): chr7:82,956,505, C>T on the plus strand (G>A on the coding strand, the complement: PCLO is on the minus strand). VCF-style: chr7-82956505-C-T. GRCh37 (hg19) VCF-style: chr7-82585821-C-T.
Other names: c.4448G>A (NM_033026.5); c.4448G>A, p.Ser1483Asn (NM_014510.3); short protein forms S1483N.
Identifiers: ClinVar variation 1395755 (VCV001395755.6), dbSNP rs367943127, ClinGen allele CA4320829.
Genomic context (GRCh38, chr7:82,956,505, plus strand): 5'-ATGTCATCAACAAACTCAGACTTCTCTTTATGGTCCTTGCTGGAAGGAATATCTTGTTGG[C>T]TATCTTTTTTAAAAGTGTCTTTCCTTTCTTCTTGACTCTCTTTGATCTCCTCTTCTGAAA-3'
Protein context (NP_149015.2, residues 1473-1493): EERKDTFKKD[Ser1483Asn]QQDIPSSKDH